The following is an entry in ClinVar:

NM_001110556.2(FLNA):c.3255C>T (p.Pro1085=)

Gene: FLNA (filamin A; minus strand). Cytogenetic location: Xq28.
Variant type: single nucleotide variant.
Coding change: c.3255C>T on transcript NM_001110556.2 (MANE Select); coding-DNA position 3255, C replaced by T.
Protein change: p.Pro1085=; no amino-acid change (proline 1085 retained).
Molecular consequence: synonymous variant.
Genome position (GRCh38, 1-based): chrX:154,360,540, G>A on the plus strand (C>T on the coding strand, the complement: FLNA is on the minus strand). VCF-style: chrX-154360540-G-A. GRCh37 (hg19) VCF-style: chrX-153588908-G-A.
Other names: p.Pro1085=; c.3255C>T, p.Pro1085= (NM_001456.4).
Identifiers: ClinVar variation 413400 (VCV000413400.18), dbSNP rs782231907, ClinGen allele CA10560739.

ClinVar aggregate classification (germline): Likely benign. Review status: criteria provided, multiple submitters, no conflicts (2 of 4 stars). 4 submissions from 4 submitters: Likely benign (4). Last evaluated 2025-12-21.

Conditions:
Heterotopia, periventricular, X-linked dominant (PVNH1). Also called: PERIVENTRICULAR NODULAR HETEROTOPIA 4; HETEROTOPIA, PERIVENTRICULAR, 1; PERIVENTRICULAR NODULAR HETEROTOPIA 1; X-linked periventricular heterotopia. Identifiers: Orphanet 2149, Orphanet 82004, MedGen C1848213, MONDO:0010233, OMIM 300049.
Oto-palato-digital syndrome, type II (OPD2). Also called: Otopalatodigital Syndrome, Type II; Otopalatodigital Syndrome Type 2 (FLNA-OPD2); FACIOPALATOOSSEOUS SYNDROME; OPD II SYNDROME. Identifiers: Orphanet 669, Orphanet 90652, MedGen C1844696, MONDO:0010571, OMIM 304120.
Frontometaphyseal dysplasia (FMD1). Identifiers: Orphanet 1826, MedGen C0265293, MONDO:0015942.
Melnick-Needles syndrome (MNS). Also called: Melnick-Needles Syndrome (FLNA-MNS); MELNICK-NEEDLES OSTEODYSPLASTY; OSTEODYSPLASTY OF MELNICK AND NEEDLES. Identifiers: Orphanet 2484, MedGen C0025237, MONDO:0010650, OMIM 309350.
Familial thoracic aortic aneurysm and aortic dissection (TAAD). Also called: Thoracic aortic aneurysms and dissections. Identifiers: Orphanet 91387, MedGen C4707243, MONDO:0019625.

Allele frequency attached by ClinVar (database versions not stated): ExAC 0.00005; TOPMed 0.00006.
gnomAD v4.1: 25 of 1,208,617 alleles (0.0021%); highest among the groups gnomAD compares: African/African-American, 0.0052%; no homozygotes.

Submissions (4):

Labcorp Genetics (formerly Invitae), Labcorp
Classification: Likely benign for Oto-palato-digital syndrome, type II; Heterotopia, periventricular, X-linked dominant; Frontometaphyseal dysplasia; Melnick-Needles syndrome. Last evaluated: 2025-12-21. Review status: criteria provided, single submitter. Criteria: Invitae Variant Classification Sherloc (09022015). Collection method: clinical testing. Allele origin: germline.

Mayo Clinic Laboratories, Mayo Clinic
Classification: Likely benign. Last evaluated: 2025-01-22. Review status: criteria provided, single submitter. Criteria: ACMG Guidelines, 2015. Collection method: clinical testing. Allele origin: germline. Observed: 2 variant alleles.
Comment: BP4, BP7

GeneDx
Classification: Likely benign. Last evaluated: 2020-10-26. Review status: criteria provided, single submitter. Criteria: GeneDx Variant Classification Process June 2021. Collection method: clinical testing. Allele origin: germline. Affected: yes.

Ambry Genetics
Classification: Likely benign for Familial thoracic aortic aneurysm and aortic dissection. Last evaluated: 2018-11-01. Review status: criteria provided, single submitter. Criteria: Ambry Variant Classification Scheme 2023. Collection method: clinical testing. Allele origin: germline.